The following is an entry in ClinVar:

ClinVar aggregate classification (germline): Conflicting classifications of pathogenicity. Review status: criteria provided, conflicting classifications (1 of 4 stars). 9 submissions from 9 submitters: Uncertain significance (7); Likely benign (1). 1 of the submissions does not count toward it. Last evaluated 2026-02-21.

Conditions:
SDHD-related disorder. Also called: SDHD-related condition.
Pheochromocytoma. Also called: MAX-Related Hereditary Paraganglioma-Pheochromocytoma Syndrome. Identifiers: Orphanet 29072, MedGen C0031511, MONDO:0008233, OMIM 171300, HP:0002666.
Carney-Stratakis syndrome. Also called: PARAGANGLIOMA AND GASTROINTESTINAL STROMAL TUMOR. Identifiers: Orphanet 97286, MedGen C1847319, MONDO:0011740, OMIM 606864.
Paragangliomas with sensorineural hearing loss. Identifiers: MedGen C1868633.
Cowden syndrome 3 (CWS3). Identifiers: Orphanet 201, MedGen CN166604, MONDO:0014045.
Hereditary cancer-predisposing syndrome. Also called: Neoplastic Syndromes, Hereditary; Tumor predisposition; Hereditary Cancer Syndrome; Hereditary neoplastic syndrome. Identifiers: Orphanet 140162, MedGen C0027672, MeSH D009386, MONDO:0015356.
Hereditary pheochromocytoma and paraganglioma. Also called: Hereditary paragangliomas and pheochromocytomas; Hereditary pheochromocytoma-paraganglioma; Hereditary Paraganglioma-Pheochromocytoma Syndromes. Identifiers: Orphanet 29072, MedGen C4274332, MONDO:0017366.
Pheochromocytoma/paraganglioma syndrome 1. Also called: PARAGANGLIOMATA; Glomus tumors familial 1; SDHD-Related Hereditary Paraganglioma-Pheochromocytoma Syndrome; Paraganglioma - glomus jugulare; PARAGANGLIOMAS, FAMILIAL NONCHROMAFFIN, 1; PGL 1. Identifiers: Orphanet 29072, MedGen C3494181, MONDO:0008192, OMIM 168000.

Allele frequency attached by ClinVar (database versions not stated): gnomAD exomes 0.00001 and 0.00003; ExAC 0.00003; ESP Exome Variant Server 0.00008; TOPMed 0.00012; 1000 Genomes Project 30x 0.00016; gnomAD 0.00016; 1000 Genomes Project 0.00020.
gnomAD v4.1: 44 of 1,614,066 alleles (0.0027%); highest among the groups gnomAD compares: African/African-American, 0.051%; no homozygotes.

Submissions (9):

PreventionGenetics, part of Exact Sciences
Classification: Uncertain significance for SDHD-related condition. Last evaluated: 2026-02-21. Review status: criteria provided, single submitter. Criteria: ACMG Guidelines, 2015. Collection method: clinical testing. Allele origin: germline.
Comment: The SDHD c.101T>G variant is predicted to result in the amino acid substitution p.Phe34Cys. This variant was reported in an individual with pheochromocytoma and/or paraganglioma, however its pathogenicity was not supported by functional or familial segregation studies (Garrett et al. 2022. PubMed ID: 34906457). This variant is reported in 0.036% of alleles in individuals of African descent in gnomAD. It is reported in ClinVar with conflicting interpretations of uncertain and likely benign (Variation ID: 135196). At this time, the clinical significance of this variant is uncertain due to the absence of conclusive functional and genetic evidence.

Labcorp Genetics (formerly Invitae), Labcorp
Classification: Uncertain significance for Carney-Stratakis syndrome; Paragangliomas with sensorineural hearing loss; Pheochromocytoma; Cowden syndrome 3. Last evaluated: 2025-12-29. Review status: criteria provided, single submitter. Criteria: Invitae Variant Classification Sherloc (09022015). Collection method: clinical testing. Allele origin: germline.
Comment: This sequence change replaces phenylalanine, which is neutral and non-polar, with cysteine, which is neutral and slightly polar, at codon 34 of the SDHD protein (p.Phe34Cys). This variant is present in population databases (rs141802836, gnomAD 0.03%). This variant has not been reported in the literature in individuals affected with SDHD-related conditions. ClinVar contains an entry for this variant (Variation ID: 135196). Invitae Evidence Modeling of protein sequence and biophysical properties (such as structural, functional, and spatial information, amino acid conservation, physicochemical variation, residue mobility, and thermodynamic stability) indicates that this missense variant is not expected to disrupt SDHD protein function with a negative predictive value of 95%. In summary, the available evidence is currently insufficient to determine the role of this variant in disease. Therefore, it has been classified as a Variant of Uncertain Significance.

GeneDx
Classification: Uncertain significance. Last evaluated: 2025-01-28. Review status: criteria provided, single submitter. Criteria: GeneDx Variant Classification Process June 2021. Collection method: clinical testing. Allele origin: germline. Affected: yes.
Comment: In silico analysis supports that this missense variant has a deleterious effect on protein structure/function; This variant is associated with the following publications: (PMID: 24728327, 38473309, 34906457)

All of Us Research Program, National Institutes of Health
Classification: Uncertain significance for Hereditary pheochromocytoma and paraganglioma. Last evaluated: 2024-08-13. Review status: criteria provided, single submitter. Criteria: ACMG Guidelines, 2015. Collection method: clinical testing. Allele origin: germline. Inheritance: Autosomal dominant inheritance. Observed: 12 variant alleles, 12 heterozygotes.
Comment: This missense variant replaces phenylalanine with cysteine at codon 34 of the SDHD protein. Computational prediction is inconclusive regarding the impact of this variant on protein structure and function (internally defined REVEL score threshold 0.5 < inconclusive < 0.7, PMID: 27666373). To our knowledge, functional studies have not been reported for this variant. This variant has not been reported in individuals affected with SDHD-related disorders in the literature. This variant has been identified in 11/282870 chromosomes in the general population by the Genome Aggregation Database (gnomAD). The available evidence is insufficient to determine the role of this variant in disease conclusively. Therefore, this variant is classified as a Variant of Uncertain Significance.

This study involves interpretation of variants in research participants for the purpose of population health screening. Participant phenotype was not available at the time of variant classification. Additional details can be found in publication PMID: 35346344, PMCID: PMC8962531

Color Diagnostics, LLC DBA Color Health
Classification: Uncertain significance for Hereditary pheochromocytoma and paraganglioma. Last evaluated: 2024-05-08. Review status: criteria provided, single submitter. Criteria: ACMG Guidelines, 2015. Collection method: clinical testing. Allele origin: germline.
Comment: This missense variant replaces phenylalanine with cysteine at codon 34 of the SDHD protein. Computational prediction is inconclusive regarding the impact of this variant on protein structure and function. To our knowledge, functional studies have not been reported for this variant. This variant has not been reported in individuals affected with SDHD-related disorders in the literature. This variant has been identified in 11/282870 chromosomes in the general population by the Genome Aggregation Database (gnomAD). The available evidence is insufficient to determine the role of this variant in disease conclusively. Therefore, this variant is classified as a Variant of Uncertain Significance.

Ambry Genetics
Classification: Likely benign for Hereditary cancer-predisposing syndrome. Last evaluated: 2024-02-07. Review status: criteria provided, single submitter. Criteria: Ambry Variant Classification Scheme 2023. Collection method: clinical testing. Allele origin: germline.

St. Jude Molecular Pathology, St. Jude Children's Research Hospital
Classification: Uncertain significance for Pheochromocytoma/paraganglioma syndrome 1. Last evaluated: 2023-04-24. Review status: criteria provided, single submitter. Criteria: St. Jude Assertion Criteria 2020. Collection method: clinical testing. Allele origin: germline.
Comment: The SDHD c.101T>G (p.Phe34Cys) missense change has a maximum subpopulation frequency of 0.036% in gnomAD v2.1.1. The in silico tool REVEL predicts a deleterious effect on protein function, but to our knowledge this prediction has not been confirmed by functional studies. To our knowledge, this variant has not been reported in individuals with SDHD-associated conditions. In summary, the evidence currently available is insufficient to determine the clinical significance of this variant. It has therefore been classified as of uncertain significance.

Blueprint Genetics
Classification: Uncertain significance. Last evaluated: 2021-07-08. Review status: criteria provided, single submitter. Criteria: ACMG Guidelines, 2015. Collection method: clinical testing. Allele origin: germline.

ITMI
No classification provided. Condition: AllHighlyPenetrant. Last evaluated: 2013-09-19. Review status: no classification provided. Collection method: reference population. Allele origin: germline. Not counted in ClinVar's aggregate classification.
Comment: Please see associated publication for description of ethnicities

Literature cited by the submitters: PubMed 24728327 (cited by ITMI).

NM_003002.4(SDHD):c.101T>G (p.Phe34Cys)

Gene: SDHD (succinate dehydrogenase complex subunit D; plus strand). Cytogenetic location: 11q23.1.
Variant type: single nucleotide variant.
Coding change: c.101T>G on transcript NM_003002.4 (MANE Select); coding-DNA position 101, T replaced by G.
Protein change: p.Phe34Cys; replaces phenylalanine 34 with cysteine.
Molecular consequence: missense variant. On other transcripts: non-coding transcript variant (1), intron variant (1).
Genome position (GRCh38, 1-based): chr11:112,087,905, T>G. VCF-style: chr11-112087905-T-G. GRCh37 (hg19) VCF-style: chr11-111958629-T-G.
Other names: c.101T>G, p.Phe34Cys (NM_001276503.2, NM_001276506.2); c.52+946T>G (NM_001276504.2); short protein forms F34C.
Identifiers: ClinVar variation 135196 (VCV000135196.29), dbSNP rs141802836, ClinGen allele CA016754.